The following is an entry in ClinVar:

NM_001395656.1(ROBO2):c.1321C>T (p.Leu441=)

Gene: ROBO2 (roundabout guidance receptor 2; plus strand). Cytogenetic location: 3p12.3.
Variant type: single nucleotide variant.
Coding change: c.1321C>T on transcript NM_001395656.1 (MANE Select); coding-DNA position 1321, C replaced by T.
Protein change: p.Leu441=; no amino-acid change (leucine 441 retained).
Molecular consequence: synonymous variant. On other transcripts: 5 prime UTR variant (1).
Genome position (GRCh38, 1-based): chr3:77,558,021, C>T. VCF-style: chr3-77558021-C-T. GRCh37 (hg19) VCF-style: chr3-77607172-C-T.
Other names: c.1357C>T, p.Leu453= (NM_001128929.3); c.1321C>T, p.Leu441= (NM_001290039.2, NM_001290040.2, NM_001378202.1); c.-610C>T (NM_001290065.2); c.1369C>T, p.Leu457= (NM_001378190.1, NM_001378191.1, NM_001378195.1 and 4 more transcripts); c.1390C>T, p.Leu464= (NM_001378192.1, NM_001378194.1, NM_001378198.1 and 2 more transcripts); c.1309C>T, p.Leu437= (NM_001378193.1, NM_001378197.1, NM_002942.5); c.1378C>T, p.Leu460= (NM_001394212.1, NM_001394214.1, NM_001395657.1).
Identifiers: ClinVar variation 346686 (VCV000346686.6), dbSNP rs773786584, ClinGen allele CA2497023.

ClinVar aggregate classification (germline): Likely benign (1 of 4 stars; one submission).

Conditions:
Vesicoureteral reflux 2 (VUR2). Identifiers: Orphanet 289365, MedGen C1970483, MONDO:0012573, OMIM 610878.

Allele frequency attached by ClinVar (database versions not stated): gnomAD 0.00001; gnomAD exomes 0.00001; ExAC 0.00002; TOPMed 0.00002.
gnomAD v4.1: 8 of 1,613,208 alleles (0.0005%); highest among the groups gnomAD compares: Middle Eastern, 0.05%; no homozygotes.

Submission:

Illumina Laboratory Services, Illumina
Classification: Likely benign for Vesicoureteral reflux 2. Last evaluated: 2018-01-12. Review status: criteria provided, single submitter. Criteria: ICSL Variant Classification Criteria 13 December 2019. Collection method: clinical testing. Allele origin: germline.
Comment: This variant was observed in the ICSL laboratory as part of a predisposition screen in an ostensibly healthy population. It had not been previously curated by ICSL or reported in the Human Gene Mutation Database (HGMD: prior to June 1st, 2018), and was therefore a candidate for classification through an automated scoring system. Utilizing variant allele frequency, disease prevalence and penetrance estimates, and inheritance mode, an automated score was calculated to assess if this variant is too frequent to cause the disease. Based on the score and internal cut-off values, a variant classified as likely benign is not then subjected to further curation. The score for this variant resulted in a classification of likely benign for this disease.